The following is an entry in ClinVar:

ClinVar aggregate classification (germline): Likely pathogenic (1 of 4 stars; one submission).

Submission:

GeneDx
Classification: Likely pathogenic. Last evaluated: 2016-04-07. Review status: criteria provided, single submitter. Criteria: GeneDx Variant Classification (06012015). Collection method: clinical testing. Allele origin: germline. Affected: yes.
Comment: The Y984X variant in the NRXN1 gene has not been reported previously as a pathogenic variant nor as a benign variant, to our knowledge. This variant is predicted to cause loss of normal protein function either through protein truncation or nonsense-mediated mRNA decay. The Y984X variant was not observed in approximately 6000 individuals of European and African American ancestry in the NHLBI Exome Sequencing Project, indicating it is not a common benign variant in these populations. The Y984X variant is a strong candidate for a pathogenic variant, however the possibility it may be a rare benign variant cannot be excluded.

NM_001330078.2(NRXN1):c.2832T>G (p.Tyr944Ter)

Gene: NRXN1 (neurexin 1; minus strand). Cytogenetic location: 2p16.3.
Variant type: single nucleotide variant.
Coding change: c.2832T>G on transcript NM_001330078.2 (MANE Select); coding-DNA position 2832, T replaced by G.
Protein change: p.Tyr944Ter; replaces tyrosine 944 with a stop codon.
Molecular consequence: nonsense.
Genome position (GRCh38, 1-based): chr2:50,497,380, A>C on the plus strand (T>G on the coding strand, the complement: NRXN1 is on the minus strand). VCF-style: chr2-50497380-A-C. GRCh37 (hg19) VCF-style: chr2-50724518-A-C.
Other names: c.2952T>G, p.Tyr984Ter (NM_001135659.3); c.2808T>G, p.Tyr936Ter (NM_001330077.2, NM_001330082.2); c.2766T>G, p.Tyr922Ter (NM_001330083.2, NM_001330084.2); c.2805T>G, p.Tyr935Ter (NM_001330085.2); c.2832T>G, p.Tyr944Ter (NM_001330086.2, NM_004801.6); c.2721T>G, p.Tyr907Ter (NM_001330087.2, NM_001330096.2); c.2751T>G, p.Tyr917Ter (NM_001330088.2); c.2829T>G, p.Tyr943Ter (NM_001330093.2); and 2 more; short protein forms Y984*, Y917*, Y927*, Y936*, Y944*, Y907*, Y940*, Y922*.
Identifiers: ClinVar variation 383959 (VCV000383959.2), dbSNP rs1057521798, ClinGen allele CA16604353.